The following is an entry in ClinVar:

NM_020778.5(ALPK3):c.556A>G (p.Lys186Glu)

Gene: ALPK3 (alpha kinase 3; plus strand). Cytogenetic location: 15q25.3.
Variant type: single nucleotide variant.
Coding change: c.556A>G on transcript NM_020778.5 (MANE Select); coding-DNA position 556, A replaced by G.
Protein change: p.Lys186Glu; replaces lysine 186 with glutamic acid.
Molecular consequence: missense variant.
Genome position (GRCh38, 1-based): chr15:84,839,835, A>G. VCF-style: chr15-84839835-A-G. GRCh37 (hg19) VCF-style: chr15-85383066-A-G.
Other names: short protein forms K186E.
Identifiers: ClinVar variation 1496577 (VCV001496577.8), dbSNP rs2141556244, ClinGen allele CA393372885.
Genomic context (GRCh38, chr15:84,839,835, plus strand): 5'-GTCCTGGAGGTGGGCACCATGACTGAGTACAAGATCCACCAGCGCTGGTTCGCCAAGTTG[A>G]AGCGCAAGGCTGCGGCAAAGCTGCGCGAGATCGAGCAGAGCTGGAAGCACGAGAAGGCGG-3'
Protein context (NP_065829.4, residues 176-196): KIHQRWFAKL[Lys186Glu]RKAAAKLREI

ClinVar aggregate classification (germline): Uncertain significance (1 of 4 stars; one submission).

Submission:

Labcorp Genetics (formerly Invitae), Labcorp
Classification: Uncertain significance. Last evaluated: 2021-07-14. Review status: criteria provided, single submitter. Criteria: Invitae Variant Classification Sherloc (09022015). Collection method: clinical testing. Allele origin: germline.
Comment: This sequence change replaces lysine with glutamic acid at codon 388 of the ALPK3 protein (p.Lys388Glu). The lysine residue is highly conserved and there is a small physicochemical difference between lysine and glutamic acid. This variant is not present in population databases (ExAC no frequency). This variant has not been reported in the literature in individuals affected with ALPK3-related conditions. Algorithms developed to predict the effect of missense changes on protein structure and function are either unavailable or do not agree on the potential impact of this missense change (SIFT: "Tolerated"; PolyPhen-2: "Probably Damaging"; Align-GVGD: "Class C0"). In summary, the available evidence is currently insufficient to determine the role of this variant in disease. Therefore, it has been classified as a Variant of Uncertain Significance.